The following is an entry in ClinVar:

NM_201384.3(PLEC):c.1248C>T (p.Asp416=)

Genes: PLEC (plectin; minus strand), LOC130001334 (ATAC-STARR-seq lymphoblastoid silent region 19628; plus strand). Cytogenetic location: 8q24.3.
Variant type: single nucleotide variant.
Coding change: c.1248C>T on transcript NM_201384.3 (MANE Select); coding-DNA position 1248, C replaced by T.
Protein change: p.Asp416=; no amino-acid change (aspartic acid 416 retained).
Molecular consequence: synonymous variant.
Genome position (GRCh38, 1-based): chr8:143,934,013, G>A on the plus strand (C>T on the coding strand, the complement: PLEC is on the minus strand). VCF-style: chr8-143934013-G-A. GRCh37 (hg19) VCF-style: chr8-145008181-G-A.
Other names: c.1329C>T, p.Asp443= (NM_000445.5); c.1206C>T, p.Asp402= (NM_201378.4); c.1182C>T, p.Asp394= (NM_201379.3); c.1659C>T, p.Asp553= (NM_201380.4); c.1152C>T, p.Asp384= (NM_201381.3); c.1248C>T, p.Asp416= (NM_201382.4); c.1260C>T, p.Asp420= (NM_201383.3).
Identifiers: ClinVar variation 514094 (VCV000514094.13), dbSNP rs572481168, ClinGen allele CA4928087.

ClinVar aggregate classification (germline): Conflicting classifications of pathogenicity. Review status: criteria provided, conflicting classifications (1 of 4 stars). 4 submissions from 4 submitters: Uncertain significance (1); Likely benign (3). Last evaluated 2025-08-18.

Conditions:
Epidermolysis bullosa simplex, Ogna type (EBS5A). Also called: Pidermolysis bullosa simplex 5A, Ogna type; EPIDERMOLYSIS BULLOSA SIMPLEX 5A, OGNA TYPE. Identifiers: Orphanet 79401, MedGen C0432317, MONDO:0007555, OMIM 131950.
Epidermolysis bullosa simplex with nail dystrophy (EBS5D). Identifiers: MedGen C4225309, MONDO:0014661, OMIM 616487.
Epidermolysis bullosa simplex 5B, with muscular dystrophy (EBS5B). Also called: EPIDERMOLYSIS BULLOSA SIMPLEX AND LIMB-GIRDLE MUSCULAR DYSTROPHY; Epidermolysis bullosa simplex with muscular dystrophy. Identifiers: Orphanet 257, MedGen C2931072, MONDO:0009181, OMIM 226670.
Epidermolysis bullosa simplex 5C, with pyloric atresia (EBS5C). Also called: PLEC1-Related Epidermolysis Bullosa with Pyloric Atresia; Epidermolysis bullosa simplex with pyloric atresia; PLEC-Related Epidermolysis Bullosa with Pyloric Atresia. Identifiers: Orphanet 158684, MedGen C2677349, MONDO:0012807, OMIM 612138.
Autosomal recessive limb-girdle muscular dystrophy type 2Q (LGMDR17). Also called: MUSCULAR DYSTROPHY, LIMB-GIRDLE, AUTOSOMAL RECESSIVE 17. Identifiers: Orphanet 254361, MedGen C3150989, MONDO:0013390, OMIM 613723.

Allele frequency attached by ClinVar (database versions not stated): TOPMed 0.00002; 1000 Genomes Project 0.00020; 1000 Genomes Project 30x 0.00031.
gnomAD v4.1: 60 of 1,607,894 alleles (0.0037%); highest among the groups gnomAD compares: South Asian, 0.018%; no homozygotes.

Submissions (4):

Labcorp Genetics (formerly Invitae), Labcorp
Classification: Likely benign for Autosomal recessive limb-girdle muscular dystrophy type 2Q; Epidermolysis bullosa simplex, Ogna type; Epidermolysis bullosa simplex with nail dystrophy; Epidermolysis bullosa simplex 5C, with pyloric atresia; Epidermolysis bullosa simplex 5B, with muscular dystrophy. Last evaluated: 2025-08-18. Review status: criteria provided, single submitter. Criteria: Invitae Variant Classification Sherloc (09022015). Collection method: clinical testing. Allele origin: germline.

Blueprint Genetics
Classification: Likely benign. Last evaluated: 2023-07-25. Review status: criteria provided, single submitter. Criteria: ACMG Guidelines, 2015. Collection method: clinical testing. Allele origin: germline.

GeneDx
Classification: Likely benign. Last evaluated: 2017-12-20. Review status: criteria provided, single submitter. Criteria: GeneDx Variant Classification (06012015). Collection method: clinical testing. Allele origin: germline. Affected: yes.
Comment: This variant is considered likely benign or benign based on one or more of the following criteria: it is a conservative change, it occurs at a poorly conserved position in the protein, it is predicted to be benign by multiple in silico algorithms, and/or has population frequency not consistent with disease.

Eurofins Ntd Llc (ga)
Classification: Uncertain significance. Last evaluated: 2017-09-26. Review status: criteria provided, single submitter. Criteria: EGL Classification Definitions 2015. Collection method: clinical testing. Allele origin: germline. Observed: 2 variant alleles, 2 heterozygotes.